The following is an entry in ClinVar:

NM_000535.7(PMS2):c.101G>T (p.Ser34Ile)

Gene: PMS2 (PMS1 homolog 2, mismatch repair system component; minus strand). Cytogenetic location: 7p22.1.
Variant type: single nucleotide variant.
Coding change: c.101G>T on transcript NM_000535.7 (MANE Select); coding-DNA position 101, G replaced by T.
Protein change: p.Ser34Ile; replaces serine 34 with isoleucine.
Molecular consequence: missense variant. On other transcripts: 5 prime UTR variant (8), non-coding transcript variant (1), intron variant (3).
Genome position (GRCh38, 1-based): chr7:6,005,954, C>A on the plus strand (G>T on the coding strand, the complement: PMS2 is on the minus strand). VCF-style: chr7-6005954-C-A. GRCh37 (hg19) VCF-style: chr7-6045585-C-A.
Other names: c.-305G>T (NM_001322003.2, NM_001322005.2, NM_001322009.2 and 1 more transcripts); c.101G>T, p.Ser34Ile (NM_001322006.2, NM_001322014.2); c.-115G>T (NM_001322007.2); c.-784G>T (NM_001322011.2, NM_001322012.2); c.-384G>T (NM_001322015.2); c.-52-1896G>T (NM_001322008.2); c.-242-1896G>T (NM_001322010.2, NM_001322004.2); short protein forms S34I.
Identifiers: ClinVar variation 186945 (VCV000186945.48), dbSNP rs370612538, ClinGen allele CA009103.

ClinVar aggregate classification (germline): Conflicting classifications of pathogenicity. Review status: criteria provided, conflicting classifications (1 of 4 stars). 13 submissions from 13 submitters: Uncertain significance (12); Benign (1). Last evaluated 2026-02-09.

Conditions:
PMS2-related disorder. Also called: PMS2-related condition.
Hereditary nonpolyposis colorectal neoplasms. Identifiers: MedGen C0009405, MeSH D003123.
Hereditary cancer-predisposing syndrome. Also called: Neoplastic Syndromes, Hereditary; Tumor predisposition; Hereditary neoplastic syndrome; Hereditary Cancer Syndrome. Identifiers: Orphanet 140162, MedGen C0027672, MeSH D009386, MONDO:0015356.
Lynch syndrome. Identifiers: Orphanet 144, MedGen C4552100, MONDO:0005835. Disease mechanism: loss of function.
Lynch syndrome 4 (LYNCH4). Also called: Colorectal cancer, hereditary nonpolyposis, type 4; Hereditary non-polyposis colorectal cancer, type 4. Identifiers: Orphanet 144, MedGen C1838333, MONDO:0013699, OMIM 614337. Disease mechanism: loss of function.

Allele frequency attached by ClinVar (database versions not stated): ExAC 0.00005; gnomAD 0.00005; TOPMed 0.00006; ESP Exome Variant Server 0.00027.
gnomAD v4.1: 68 of 1,610,718 alleles (0.0042%); highest among the groups gnomAD compares: Non-Finnish European, 0.0054%; no homozygotes.

Submissions 1 to 8 of 13:

PreventionGenetics, part of Exact Sciences
Classification: Uncertain significance for PMS2-related condition. Last evaluated: 2026-02-09. Review status: criteria provided, single submitter. Criteria: ACMG Guidelines, 2015. Collection method: clinical testing. Allele origin: germline.
Comment: The PMS2 c.101G>T variant is predicted to result in the amino acid substitution p.Ser34Ile. This variant has been reported in an individual with head and neck squamous cell carcinoma (Supplementary data 12, Lu et al. 2015. PubMed ID: 26689913), an individual with pancreatic ductal adenocarcinoma (Table S3, Cremin et al. 2020. PubMed ID: 32255556), and in individuals with breast cancer (Bhai et al. 2021. PubMed ID: 34326862; Breast Cancer Association Consortium et al. 2021. PubMed ID: 33471991). This variant is reported in 0.0084% of alleles in individuals of African descent in gnomAD and is interpreted as a variant of uncertain significance by multiple submitters to ClinVar (Variation ID: 186945). At this time, the clinical significance of this variant is uncertain due to the absence of conclusive functional and genetic evidence.

Labcorp Genetics (formerly Invitae), Labcorp
Classification: Benign for Hereditary nonpolyposis colorectal neoplasms. Last evaluated: 2026-01-17. Review status: criteria provided, single submitter. Criteria: Invitae Variant Classification Sherloc (09022015). Collection method: clinical testing. Allele origin: germline.

Ambry Genetics
Classification: Uncertain significance for Hereditary cancer-predisposing syndrome. Last evaluated: 2025-09-02. Review status: criteria provided, single submitter. Criteria: Ambry Variant Classification Scheme 2023. Collection method: clinical testing. Allele origin: germline.
Comment: The p.S34I variant (also known as c.101G>T), located in coding exon 2 of the PMS2 gene, results from a G to T substitution at nucleotide position 101. The serine at codon 34 is replaced by isoleucine, an amino acid with dissimilar properties. This alteration was reported in an individual diagnosed with pancreatic ductal adenocarcinoma (Cremin C et al. Cancer Med, 2020 06;9:4004-4013). This amino acid position is not well conserved in available vertebrate species. In addition, the in silico prediction for this alteration is inconclusive. Based on the available evidence, the clinical significance of this variant remains unclear.

Women's Health and Genetics/Laboratory Corporation of America, LabCorp
Classification: Uncertain significance. Last evaluated: 2025-07-18. Review status: criteria provided, single submitter. Criteria: LabCorp Variant Classification Summary - May 2015. Collection method: clinical testing. Allele origin: germline.
Comment: Variant summary: PMS2 c.101G>T (p.Ser34Ile) results in a non-conservative amino acid change located in the ATPase domain (IPR003594) of the encoded protein sequence. Algorithms developed to predict the effect of missense changes on protein structure and function all suggest that this variant is likely to be disruptive. The variant allele was found at a frequency of 4.1e-05 in 245786 control chromosomes, predominantly at a frequency of 9.1e-05 within the Non-Finnish European subpopulation in the gnomAD database. The observed variant frequency within Non-Finnish European control individuals in the gnomAD database is approximately 1-fold of the estimated maximal expected allele frequency for a pathogenic variant in PMS2 causing Hereditary Nonpolyposis Colorectal Cancer phenotype (7.1e-05). c.101G>T has been observed as a VUS in settings of multigene panel testing in at least one individual with pancreatic ductal adenocarcinoma (PDAC) (example, Cremin_2020) and in the The Cancer Genome Atlas (TCGA) cohort (Lu_2015). A large case-control study evaluating breast cancer genetic risk also reported this variant was enriched in the case cohorts (Dorling_2021). These reports do not provide unequivocal conclusions about association of the variant with Hereditary Nonpolyposis Colorectal Cancer. At least one publication reports experimental evidence evaluating an impact on protein function (Izuhara_2020). This variant mostly retained the ATPase activity, while lowering affinity for ATP, and destabilized the structure. However, these findings do not allow convincing conclusions about the variant effect in-vivo. The following publications have been ascertained in the context of this evaluation (PMID: 34326862, 32255556, 32571878, 26689913, 33471991). ClinVar contains an entry for this variant (Variation ID: 186945). Based on the evidence outlined above, the variant was classified as uncertain significance.

GeneDx
Classification: Uncertain significance. Last evaluated: 2025-06-10. Review status: criteria provided, single submitter. Criteria: GeneDx Variant Classification Process June 2021. Collection method: clinical testing. Allele origin: germline. Affected: yes.
Comment: Observed in individuals with personal and/or family history of breast, colorectal, pancreatic and other cancers (PMID: 26689913, 32255556, 33471991, 34326862); In silico analysis supports that this missense variant has a deleterious effect on protein structure/function; This variant is associated with the following publications: (PMID: 32255556, 26689913, 32571878, 33471991, 34326862, 11574484)

ARUP Laboratories, Molecular Genetics and Genomics, ARUP Laboratories
Classification: Uncertain significance. Last evaluated: 2024-12-12. Review status: criteria provided, single submitter. Criteria: ARUP Molecular Germline Variant Investigation Process 2024. Collection method: clinical testing. Allele origin: germline.
Comment: The PMS2 c.101G>T; p.Ser34Ile variant (rs370612538), is reported in the literature in two individuals affected with breast cancer and one individual with pancreatic cancer (Bahi 2021, Cremin 2020). The serine at codon 34 is moderately conserved and computational analyses predict that this variant is deleterious (REVEL:0.731). This variant is reported in ClinVar (Variation ID: 186945) and is found in the non-Finnish European population with an allele frequency of 0.008% (10/125392 alleles) in the Genome Aggregation Database (v2.1.1), indicating it is not a common polymorphism. A functional analysis suggested that this variant may preserve ATPase and DNA-binding abilities while altering the structure of the N-terminal domain (Izuhara 2020). However, due to limited clinical and functional data, the significance of this variant is uncertain at this time. References: Bhai P et al. Analysis of Sequence and Copy Number Variants in Canadian Patient Cohort With Familial Cancer Syndromes Using a Unique Next Generation Sequencing Based Approach. Front Genet. 2021 Jul 13;12:698595. PMID: 34326862. Cremin C et al. Burden of hereditary cancer susceptibility in unselected patients with pancreatic ductal adenocarcinoma referred for germline screening. Cancer Med. 2020 Jun;9(11):4004-4013. PMID: 32255556. Izuhara K et al. A Lynch syndrome-associated mutation at a Bergerat ATP-binding fold destabilizes the structure of the DNA mismatch repair endonuclease MutL. J Biol Chem. 2020 Aug 14;295(33):11643-11655. PMID: 32571878. .

Blueprint Genetics
Classification: Uncertain significance. Last evaluated: 2024-11-07. Review status: criteria provided, single submitter. Criteria: ACMG Guidelines, 2015. Collection method: clinical testing. Allele origin: germline.

All of Us Research Program, National Institutes of Health
Classification: Uncertain significance for Lynch syndrome. Last evaluated: 2024-09-27. Review status: criteria provided, single submitter. Criteria: ACMG Guidelines, 2015. Collection method: clinical testing. Allele origin: germline. Inheritance: Autosomal dominant inheritance. Observed: 13 variant alleles, 13 heterozygotes.
Comment: This missense variant replaces serine with isoleucine at codon 34 of the PMS2 protein. Computational prediction suggests that this variant may have deleterious impact on protein structure and function (internally defined REVEL score threshold >= 0.7, PMID: 27666373). To our knowledge, functional studies have not been performed for this variant. This variant has been reported in an individuals affected with breast cancer (PMID: (PMID: 34326862), head and neck squamous cell carcinoma (PMID: 26689913), and pancreatic ductal adenocarcinoma (PMID: 32255556). In a large case-control breast cancer study, this variant was reported in 5/60466 cases and 0/53461 unaffected controls (PMID: 33471991). This variant has been identified in 12/277184 chromosomes in the general population by the Genome Aggregation Database (gnomAD). The available evidence is insufficient to determine the role of this variant in disease conclusively. Therefore, this variant is classified as a Variant of Uncertain Significance.

This study involves interpretation of variants in research participants for the purpose of population health screening. Participant phenotype was not available at the time of variant classification. Additional details can be found in publication PMID: 35346344, PMCID: PMC8962531